The following is an entry in ClinVar:

NM_004655.4(AXIN2):c.757A>G (p.Lys253Glu)

Gene: AXIN2 (axin 2; minus strand). Cytogenetic location: 17q24.1.
Variant type: single nucleotide variant.
Coding change: c.757A>G on transcript NM_004655.4 (MANE Select); coding-DNA position 757, A replaced by G.
Protein change: p.Lys253Glu; replaces lysine 253 with glutamic acid.
Molecular consequence: missense variant.
Genome position (GRCh38, 1-based): chr17:65,557,864, T>C on the plus strand (A>G on the coding strand, the complement: AXIN2 is on the minus strand). VCF-style: chr17-65557864-T-C. GRCh37 (hg19) VCF-style: chr17-63553982-T-C.
Other names: c.757A>G, p.Lys253Glu (NM_001363813.1); short protein forms K253E.
Identifiers: ClinVar variation 2802152 (VCV002802152.5), dbSNP rs2544247453, ClinGen allele CA400680339.

ClinVar aggregate classification (germline): Uncertain significance. Review status: criteria provided, multiple submitters, no conflicts (2 of 4 stars). 3 submissions from 3 submitters: Uncertain significance (3). Last evaluated 2024-03-27.

Conditions:
Oligodontia-cancer predisposition syndrome. Also called: TOOTH AGENESIS-COLORECTAL CANCER SYNDROME. Identifiers: Orphanet 300576, MedGen C1837750, MONDO:0012075, OMIM 608615. Disease mechanism: loss of function.
Hereditary cancer-predisposing syndrome. Also called: Hereditary neoplastic syndrome; Neoplastic Syndromes, Hereditary; Hereditary Cancer Syndrome; Tumor predisposition. Identifiers: Orphanet 140162, MedGen C0027672, MeSH D009386, MONDO:0015356.

Submissions (3):

Ambry Genetics
Classification: Uncertain significance for Hereditary cancer-predisposing syndrome. Last evaluated: 2024-03-27. Review status: criteria provided, single submitter. Criteria: Ambry Variant Classification Scheme 2023. Collection method: clinical testing. Allele origin: germline.
Comment: The p.K253E variant (also known as c.757A>G), located in coding exon 1 of the AXIN2 gene, results from an A to G substitution at nucleotide position 757. The lysine at codon 253 is replaced by glutamic acid, an amino acid with similar properties. This amino acid position is conserved. In addition, this alteration is predicted to be tolerated by in silico analysis. Based on the available evidence, the clinical significance of this alteration remains unclear.

GeneDx
Classification: Uncertain significance. Last evaluated: 2024-01-22. Review status: criteria provided, single submitter. Criteria: GeneDx Variant Classification Process June 2021. Collection method: clinical testing. Allele origin: germline. Affected: yes.
Comment: Not observed at significant frequency in large population cohorts (gnomAD); In silico analysis supports that this missense variant does not alter protein structure/function; Has not been previously published as pathogenic or benign to our knowledge

Labcorp Genetics (formerly Invitae), Labcorp
Classification: Uncertain significance for Oligodontia-cancer predisposition syndrome. Last evaluated: 2022-11-10. Review status: criteria provided, single submitter. Criteria: Invitae Variant Classification Sherloc (09022015). Collection method: clinical testing. Allele origin: germline.
Comment: In summary, the available evidence is currently insufficient to determine the role of this variant in disease. Therefore, it has been classified as a Variant of Uncertain Significance. Advanced modeling of protein sequence and biophysical properties (such as structural, functional, and spatial information, amino acid conservation, physicochemical variation, residue mobility, and thermodynamic stability) performed at Invitae indicates that this missense variant is not expected to disrupt AXIN2 protein function. This variant has not been reported in the literature in individuals affected with AXIN2-related conditions. This variant is not present in population databases (gnomAD no frequency). This sequence change replaces lysine, which is basic and polar, with glutamic acid, which is acidic and polar, at codon 253 of the AXIN2 protein (p.Lys253Glu).